The following is an entry in ClinVar:

ClinVar aggregate classification (germline): Conflicting classifications of pathogenicity. Review status: criteria provided, conflicting classifications (1 of 4 stars). 2 submissions from 2 submitters: Uncertain significance (1); Likely benign (1). Last evaluated 2025-07-15.

Conditions:
Inborn genetic diseases. Identifiers: MedGen C0950123, MeSH D030342.

gnomAD v4.1: 5 of 1,614,052 alleles (0.00031%); highest among the groups gnomAD compares: Admixed American, 0.0083%; no homozygotes.

Submissions (2):

Labcorp Genetics (formerly Invitae), Labcorp
Classification: Uncertain significance. Last evaluated: 2025-07-15. Review status: criteria provided, single submitter. Criteria: Invitae Variant Classification Sherloc (09022015). Collection method: clinical testing. Allele origin: germline.
Comment: This sequence change replaces valine, which is neutral and non-polar, with leucine, which is neutral and non-polar, at codon 457 of the EFTUD2 protein (p.Val457Leu). This variant is present in population databases (no rsID available, gnomAD 0.003%). This variant has not been reported in the literature in individuals affected with EFTUD2-related conditions. ClinVar contains an entry for this variant (Variation ID: 3507086). Invitae Evidence Modeling of protein sequence and biophysical properties (such as structural, functional, and spatial information, amino acid conservation, physicochemical variation, residue mobility, and thermodynamic stability) indicates that this missense variant is not expected to disrupt EFTUD2 protein function with a negative predictive value of 80%. In summary, the available evidence is currently insufficient to determine the role of this variant in disease. Therefore, it has been classified as a Variant of Uncertain Significance.

Ambry Genetics
Classification: Likely benign for Inborn genetic diseases. Last evaluated: 2024-12-09. Review status: criteria provided, single submitter. Criteria: Ambry Variant Classification Scheme 2023. Collection method: clinical testing. Allele origin: germline.

NM_004247.4(EFTUD2):c.1369G>T (p.Val457Leu)

Gene: EFTUD2 (elongation factor Tu GTP binding domain containing 2; minus strand). Cytogenetic location: 17q21.31.
Variant type: single nucleotide variant.
Coding change: c.1369G>T on transcript NM_004247.4 (MANE Select); coding-DNA position 1369, G replaced by T.
Protein change: p.Val457Leu; replaces valine 457 with leucine.
Molecular consequence: missense variant.
Genome position (GRCh38, 1-based): chr17:44,863,699, C>A on the plus strand (G>T on the coding strand, the complement: EFTUD2 is on the minus strand). VCF-style: chr17-44863699-C-A. GRCh37 (hg19) VCF-style: chr17-42941067-C-A.
Other names: c.1264G>T, p.Val422Leu (NM_001142605.2); c.1369G>T, p.Val457Leu (NM_001258353.2); c.1339G>T, p.Val447Leu (NM_001258354.2); short protein forms V457L, V422L, V447L.
Identifiers: ClinVar variation 3507086 (VCV003507086.2).